The following is an entry in ClinVar:

ClinVar aggregate classification (germline): Pathogenic/Likely pathogenic. Review status: criteria provided, multiple submitters, no conflicts (2 of 4 stars). 5 submissions from 5 submitters: Pathogenic (1); Likely pathogenic (3). 1 of the submissions does not count toward it. Last evaluated 2024-06-26.

Conditions:
Glutaric aciduria, type 1. Also called: Glutaricacidemia Type 1; Glutaricaciduria, type I; Glutaric acidemia type I; Glutaric Acidemia Type 1; GA I; Glutaryl-CoA dehydrogenase deficiency. Identifiers: Orphanet 25, MedGen C0268595, MONDO:0009281, OMIM 231670.

Allele frequency attached by ClinVar (database versions not stated): gnomAD exomes below 0.00001 and 0.00001; ExAC 0.00001; gnomAD 0.00001; TOPMed 0.00002.
gnomAD v4.1: 10 of 1,613,658 alleles (0.00062%); highest among the groups gnomAD compares: South Asian, 0.0011%; no homozygotes.

Submissions (5):

Natera, Inc.
Classification: Likely pathogenic for Glutaric acidemia type 1. Last evaluated: 2024-06-26. Review status: criteria provided, single submitter. Criteria: Natera Variant Classification Schema (03/2026). Collection method: clinical testing. Allele origin: germline.
Comment: The c.1228G>A variant in GCDH is a missense variant predicted to cause substitution of valine to methionine at amino acid 410. This variant is rare in the general population with a frequency below the threshold expected for the associated phenotype(s). This variant has been observed in one or more individuals affected with the associated recessive disease, as either homozygous or compound heterozygous with a second variant (PMID: 33578440, 17622945). Additionally, this variant has been observed to segregate in affected family members (PMID: 17622945). Computational prediction algorithms indicate this variant is likely to affect gene or protein function. Given the available evidence, this variant is classified as Likely Pathogenic.

Fulgent Genetics
Classification: Likely pathogenic for Glutaric aciduria, type 1. Last evaluated: 2024-04-10. Review status: criteria provided, single submitter. Criteria: ACMG Guidelines, 2015. Collection method: clinical testing. Allele origin: germline.

Laboratorio de Genetica e Diagnostico Molecular, Hospital Israelita Albert Einstein
Classification: Likely pathogenic for Glutaric aciduria, type 1. Last evaluated: 2023-04-06. Review status: criteria provided, single submitter. Criteria: ACMG Guidelines, 2015. Collection method: clinical testing. Allele origin: germline. Affected: yes.
Comment: ACMG classification criteria: PS3 supporting, PM2 moderate, PM3 moderate, PP3 supporting

Labcorp Genetics (formerly Invitae), Labcorp
Classification: Pathogenic for Glutaric aciduria, type 1. Last evaluated: 2022-08-16. Review status: criteria provided, single submitter. Criteria: Invitae Variant Classification Sherloc (09022015). Collection method: clinical testing. Allele origin: germline.
Comment: For these reasons, this variant has been classified as Pathogenic. Advanced modeling of protein sequence and biophysical properties (such as structural, functional, and spatial information, amino acid conservation, physicochemical variation, residue mobility, and thermodynamic stability) performed at Invitae indicates that this missense variant is expected to disrupt GCDH protein function. ClinVar contains an entry for this variant (Variation ID: 977524). This missense change has been observed in individual(s) with glutaric aciduria type I (PMID: 17622945, 26071121). This variant is present in population databases (rs760155287, gnomAD 0.0009%). This sequence change replaces valine, which is neutral and non-polar, with methionine, which is neutral and non-polar, at codon 410 of the GCDH protein (p.Val410Met).

Myelin Disorders Clinic-Children's Medical Center/Medical Genetics Lab-Tarbiat Modares University, Children's Medical Center, Pediatrics Center of Excellence,
Classification: Likely pathogenic for Glutaric aciduria, type 1. Review status: no assertion criteria provided. Collection method: clinical testing. Allele origin: inherited. Inheritance: Autosomal recessive inheritance. Affected: yes. Not counted in ClinVar's aggregate classification.

Literature cited by the submitters: PubMed 33578440 (cited by Natera, Inc.); PubMed 17622945 (cited by Natera, Inc. and Labcorp Genetics (formerly Invitae), Labcorp); PubMed 26071121 (cited by Labcorp Genetics (formerly Invitae), Labcorp).

NM_000159.4(GCDH):c.1228G>A (p.Val410Met)

Gene: GCDH (glutaryl-CoA dehydrogenase; plus strand). Cytogenetic location: 19p13.13.
Variant type: single nucleotide variant.
Coding change: c.1228G>A on transcript NM_000159.4 (MANE Select); coding-DNA position 1228, G replaced by A.
Protein change: p.Val410Met; replaces valine 410 with methionine.
Molecular consequence: missense variant. On other transcripts: non-coding transcript variant (2).
Genome position (GRCh38, 1-based): chr19:12,897,848, G>A. VCF-style: chr19-12897848-G-A. GRCh37 (hg19) VCF-style: chr19-13008662-G-A.
Other names: c.1228G>A (NM_000159.3); c.1228G>A, p.Val410Met (NM_013976.5); short protein forms V410M.
Identifiers: ClinVar variation 977524 (VCV000977524.15), dbSNP rs760155287, ClinGen allele CA9234637.